The following is an entry in ClinVar:

NM_003074.4(SMARCC1):c.889C>G (p.Arg297Gly)

Gene: SMARCC1 (SWI/SNF related BAF chromatin remodeling complex subunit C1; minus strand). Cytogenetic location: 3p21.31.
Variant type: single nucleotide variant.
Coding change: c.889C>G on transcript NM_003074.4 (MANE Select); coding-DNA position 889, C replaced by G.
Protein change: p.Arg297Gly; replaces arginine 297 with glycine.
Molecular consequence: missense variant.
Genome position (GRCh38, 1-based): chr3:47,710,712, G>C on the plus strand (C>G on the coding strand, the complement: SMARCC1 is on the minus strand). VCF-style: chr3-47710712-G-C. GRCh37 (hg19) VCF-style: chr3-47752202-G-C.
Other names: short protein forms R297G.
Identifiers: ClinVar variation 4278825 (VCV004278825.1).

ClinVar aggregate classification (germline): Uncertain significance (1 of 4 stars; one submission).

Submission:

GeneDx
Classification: Uncertain significance. Last evaluated: 2025-04-04. Review status: criteria provided, single submitter. Criteria: GeneDx Variant Classification Process June 2021. Collection method: clinical testing. Allele origin: germline. Affected: yes.
Comment: Not observed at significant frequency in large population cohorts (gnomAD); In silico analysis supports that this missense variant has a deleterious effect on protein structure/function; Has not been previously published as pathogenic or benign to our knowledge